The following is an entry in ClinVar:

NM_005618.4(DLL1):c.2066_2069del (p.Arg689fs)

Genes: DLL1 (delta like canonical Notch ligand 1; minus strand), LOC126859913 (P300/CBP strongly-dependent group 1 enhancer GRCh37_chr6:170591232-170592431; plus strand). Cytogenetic location: 6q27.
Variant type: Microsatellite.
Coding change: c.2066_2069del on transcript NM_005618.4 (MANE Select); coding-DNA positions 2066 to 2069, 4 bases deleted (GAAA; older notation c.2066_2069delGAAA).
Protein change: p.Arg689fs; shifts the reading frame from arginine 689.
Molecular consequence: frameshift variant.
Genome position (GRCh38, 1-based): chr6:170,283,085-170,283,088, TTTC deleted on the plus strand (GAAA on the coding strand, the reverse complement: DLL1 is on the minus strand); deleting any 4 consecutive bases within chr6:170,283,085-170,283,092 gives the same sequence; the c. name uses the placement nearest the transcript's 3' end. VCF-style (leftmost placement, unchanged base first): chr6-170283084-TTTTC-T. GRCh37 (hg19) VCF-style: chr6-170592172-TTTTC-T.
Other names: short protein forms R689fs.
Identifiers: ClinVar variation 2504541 (VCV002504541.1), dbSNP rs2483344428, ClinGen allele CA2580615821.
Genomic context (GRCh38, chr6:170,283,084, plus strand): 5'-TATGACGTACACCGACTGGTACTTGGTGTCTTTTGAAGTTGAACAGCCCGAGTCCGGCCT[TTTTC>T]TTTCAGATGCTTCTCCACTAAAAGGAAAATAGAGAAAATCCACAATGAATGCATGAGAAC-3'

ClinVar aggregate classification (germline): Uncertain significance (1 of 4 stars; one submission).

Submission:

GeneDx
Classification: Uncertain significance. Last evaluated: 2022-12-01. Review status: criteria provided, single submitter. Criteria: GeneDx Variant Classification Process June 2021. Collection method: clinical testing. Allele origin: germline. Affected: yes.
Comment: Not observed at significant frequency in large population cohorts (gnomAD); Frameshift variant predicted to result in protein truncation as the last 35 amino acids are replaced with 29 different amino acids, although loss-of-function variants have not been reported downstream of this position in the protein; Has not been previously published as pathogenic or benign to our knowledge